The following is an entry in ClinVar:

NM_024675.4(PALB2):c.3089C>A (p.Thr1030Asn)

Gene: PALB2 (partner and localizer of BRCA2; minus strand). Cytogenetic location: 16p12.2.
Variant type: single nucleotide variant.
Coding change: c.3089C>A on transcript NM_024675.4 (MANE Select); coding-DNA position 3089, C replaced by A.
Protein change: p.Thr1030Asn; replaces threonine 1030 with asparagine.
Molecular consequence: missense variant.
Genome position (GRCh38, 1-based): chr16:23,621,386, G>T on the plus strand (C>A on the coding strand, the complement: PALB2 is on the minus strand). VCF-style: chr16-23621386-G-T. GRCh37 (hg19) VCF-style: chr16-23632707-G-T.
Other names: short protein forms T1030N.
Identifiers: ClinVar variation 864137 (VCV000864137.13), dbSNP rs876660109, ClinGen allele CA395142874.

ClinVar aggregate classification (germline): Uncertain significance. Review status: criteria provided, multiple submitters, no conflicts (2 of 4 stars). 3 submissions from 3 submitters: Uncertain significance (3). Last evaluated 2025-04-04.

Conditions:
Familial cancer of breast. Also called: hereditary breast carcinoma; BREAST CANCER, FAMILIAL; Hereditary breast cancer. Identifiers: Orphanet 227535, MedGen C0346153, MONDO:0016419, OMIM 114480. Disease mechanism: loss of function.
Breast-ovarian cancer, familial, susceptibility to, 5 (BROVCA5). Identifiers: MedGen C5830615, MONDO:0957530, OMIM 620442.
Hereditary cancer-predisposing syndrome. Also called: Tumor predisposition; Neoplastic Syndromes, Hereditary; Hereditary Cancer Syndrome; Hereditary neoplastic syndrome. Identifiers: Orphanet 140162, MedGen C0027672, MeSH D009386, MONDO:0015356.

Submissions (3):

Dasa
Classification: Uncertain significance for Breast-ovarian cancer, familial, susceptibility to, 5. Last evaluated: 2025-04-04. Review status: criteria provided, single submitter. Criteria: DASA Assertion Criteria. Collection method: clinical testing. Allele origin: germline.
Comment: NM_024675.4(PALB2):c.3089C>A (p.Thr1030Asn) is a missense variant that results in the substitution of threonine with asparagine. The variant is present at low frequency in population datasets. Based on the available data, this variant is classified as variant of uncertain significance.

Labcorp Genetics (formerly Invitae), Labcorp
Classification: Uncertain significance for Familial cancer of breast. Last evaluated: 2024-10-13. Review status: criteria provided, single submitter. Criteria: Invitae Variant Classification Sherloc (09022015). Collection method: clinical testing. Allele origin: germline.
Comment: This sequence change replaces threonine, which is neutral and polar, with asparagine, which is neutral and polar, at codon 1030 of the PALB2 protein (p.Thr1030Asn). This variant is not present in population databases (gnomAD no frequency). This variant has not been reported in the literature in individuals affected with PALB2-related conditions. ClinVar contains an entry for this variant (Variation ID: 864137). Invitae Evidence Modeling of protein sequence and biophysical properties (such as structural, functional, and spatial information, amino acid conservation, physicochemical variation, residue mobility, and thermodynamic stability) indicates that this missense variant is expected to disrupt PALB2 protein function with a positive predictive value of 80%. In summary, the available evidence is currently insufficient to determine the role of this variant in disease. Therefore, it has been classified as a Variant of Uncertain Significance.

Ambry Genetics
Classification: Uncertain significance for Hereditary cancer-predisposing syndrome. Last evaluated: 2024-10-11. Review status: criteria provided, single submitter. Criteria: Ambry Variant Classification Scheme 2023. Collection method: clinical testing. Allele origin: germline.
Comment: The p.T1030N variant (also known as c.3089C>A), located in coding exon 10 of the PALB2 gene, results from a C to A substitution at nucleotide position 3089. The threonine at codon 1030 is replaced by asparagine, an amino acid with similar properties. This amino acid position is highly conserved in available vertebrate species. In addition, this alteration is predicted to be tolerated by in silico analysis. Based on the available evidence, the clinical significance of this variant remains unclear.